The following is an entry in ClinVar:

ClinVar aggregate classification (germline): Benign/Likely benign. Review status: criteria provided, multiple submitters, no conflicts (2 of 4 stars). 3 submissions from 3 submitters: Benign (1); Likely benign (2). Last evaluated 2025-05-16.

Conditions:
Tuberous sclerosis 2 (TSC2). Identifiers: Orphanet 805, MedGen C1860707, MONDO:0013199, OMIM 613254.
Hereditary cancer-predisposing syndrome. Also called: Tumor predisposition; Hereditary Cancer Syndrome; Hereditary neoplastic syndrome; Neoplastic Syndromes, Hereditary. Identifiers: Orphanet 140162, MedGen C0027672, MeSH D009386, MONDO:0015356.

gnomAD v4.1: 13 of 1,613,496 alleles (0.00081%); highest among the groups gnomAD compares: Non-Finnish European, 0.0011%; no homozygotes.

Submissions (3):

Myriad Genetics, Inc.
Classification: Benign for Tuberous sclerosis 2. Last evaluated: 2025-05-16. Review status: criteria provided, single submitter. Criteria: Myriad Autosomal Dominant, Autosomal Recessive and X-Linked Classification Criteria (2023). Collection method: clinical testing. Allele origin: unknown.
Comment: This variant is considered benign. This variant is a silent/synonymous amino acid change and it is not expected to impact splicing.

Labcorp Genetics (formerly Invitae), Labcorp
Classification: Likely benign for Tuberous sclerosis 2. Last evaluated: 2024-01-17. Review status: criteria provided, single submitter. Criteria: Invitae Variant Classification Sherloc (09022015). Collection method: clinical testing. Allele origin: germline.

Ambry Genetics
Classification: Likely benign for Hereditary cancer-predisposing syndrome. Last evaluated: 2020-10-15. Review status: criteria provided, single submitter. Criteria: Ambry Variant Classification Scheme 2023. Collection method: clinical testing. Allele origin: germline.

NM_000548.5(TSC2):c.1917G>A (p.Arg639=)

Gene: TSC2 (TSC complex subunit 2; plus strand). Cytogenetic location: 16p13.3.
Variant type: single nucleotide variant.
Coding change: c.1917G>A on transcript NM_000548.5 (MANE Select); coding-DNA position 1917, G replaced by A.
Protein change: p.Arg639=; no amino-acid change (arginine 639 retained).
Molecular consequence: synonymous variant.
Genome position (GRCh38, 1-based): chr16:2,071,587, G>A. VCF-style: chr16-2071587-G-A. GRCh37 (hg19) VCF-style: chr16-2121588-G-A.
Other names: c.1917G>A, p.Arg639= (NM_001077183.3, NM_001114382.3, NM_001363528.2 and 3 more transcripts); c.1806G>A, p.Arg602= (NM_001318827.2); c.1770G>A, p.Arg590= (NM_001318829.2); c.1317G>A, p.Arg439= (NM_001318831.2); c.1950G>A, p.Arg650= (NM_001318832.2).
Identifiers: ClinVar variation 1544018 (VCV001544018.11), dbSNP rs2151298410, ClinGen allele CA492950352.